The following is an entry in ClinVar:

ClinVar aggregate classification (germline): Uncertain significance (1 of 4 stars; one submission).

Conditions:
Beckwith-Wiedemann syndrome (BWS). Also called: Exomphalos macroglossia gigantism syndrome; EMG SYNDROME. Identifiers: Orphanet 116, MedGen C0004903, MONDO:0007534, OMIM 130650.

Submission:

Labcorp Genetics (formerly Invitae), Labcorp
Classification: Uncertain significance for Beckwith-Wiedemann syndrome. Last evaluated: 2022-01-26. Review status: criteria provided, single submitter. Criteria: Invitae Variant Classification Sherloc (09022015). Collection method: clinical testing. Allele origin: germline.
Comment: In summary, the available evidence is currently insufficient to determine the role of this variant in disease. Therefore, it has been classified as a Variant of Uncertain Significance. This sequence change falls in intron 1 of the CDKN1C gene. It does not directly change the encoded amino acid sequence of the CDKN1C protein. This variant is not present in population databases (gnomAD no frequency). This variant has not been reported in the literature in individuals affected with CDKN1C-related conditions. Algorithms developed to predict the effect of sequence changes on RNA splicing suggest that this variant may disrupt the consensus splice site.

NM_001122630.2(CDKN1C):c.788-12_788-5del

Gene: CDKN1C (cyclin dependent kinase inhibitor 1C; minus strand). Cytogenetic location: 11p15.4.
Variant type: Deletion.
Coding change: c.788-12_788-5del on transcript NM_001122630.2 (MANE Select); 12 bases into the intron before coding-DNA position 788 through 5 bases into the intron before coding-DNA position 788, 8 bases deleted (TGTCGCCC; older notation c.788-12_788-5delTGTCGCCC).
Molecular consequence: intron variant.
Genome position (GRCh38, 1-based): chr11:2,884,139-2,884,146, GGGCGACA deleted on the plus strand (TGTCGCCC on the coding strand, the reverse complement: CDKN1C is on the minus strand); deleting any 8 consecutive bases within chr11:2,884,139-2,884,147 gives the same sequence; the c. name uses the placement nearest the transcript's 3' end. VCF-style (leftmost placement, unchanged base first): chr11-2884138-CGGGCGACA-C. GRCh37 (hg19) VCF-style: chr11-2905368-CGGGCGACA-C.
Other names: c.256-12_256-5del (NM_001362475.2); c.788-12_788-5del (NM_001122631.2); c.821-12_821-5del (NM_001362474.2, NM_000076.2).
Identifiers: ClinVar variation 2089500 (VCV002089500.4), dbSNP rs2494380371, ClinGen allele CA2580082645.